The following is an entry in ClinVar:

NM_001145073.3(USP27X):c.815G>A (p.Arg272Lys)

Gene: USP27X (ubiquitin specific peptidase 27 X-linked; plus strand). Cytogenetic location: Xp11.23.
Variant type: single nucleotide variant.
Coding change: c.815G>A on transcript NM_001145073.3 (MANE Select); coding-DNA position 815, G replaced by A.
Protein change: p.Arg272Lys; replaces arginine 272 with lysine.
Molecular consequence: missense variant.
Genome position (GRCh38, 1-based): chrX:49,881,122, G>A. VCF-style: chrX-49881122-G-A. GRCh37 (hg19) VCF-style: chrX-49645725-G-A.
Other names: short protein forms R272K.
Identifiers: ClinVar variation 5039754 (VCV005039754.1).

ClinVar aggregate classification (germline): Uncertain significance (1 of 4 stars; one submission).

Submission:

CeGaT Center for Human Genetics Tuebingen
Classification: Uncertain significance. Last evaluated: 2026-08-01. Review status: criteria provided, single submitter. Criteria: CeGaT Center For Human Genetics Tuebingen Variant Classification Criteria Version 2. Collection method: clinical testing. Allele origin: germline. Affected: yes. Observed: 1 variant allele.
Comment: USP27X: PM2, PP3